The following is an entry in ClinVar:

NM_173560.4(RFX6):c.2566T>C (p.Tyr856His)

Gene: RFX6 (regulatory factor X6; plus strand). Cytogenetic location: 6q22.1.
Variant type: single nucleotide variant.
Coding change: c.2566T>C on transcript NM_173560.4 (MANE Select); coding-DNA position 2566, T replaced by C.
Protein change: p.Tyr856His; replaces tyrosine 856 with histidine.
Molecular consequence: missense variant.
Genome position (GRCh38, 1-based): chr6:116,928,926, T>C. VCF-style: chr6-116928926-T-C. GRCh37 (hg19) VCF-style: chr6-117250089-T-C.
Other names: short protein forms Y856H.
Identifiers: ClinVar variation 3788573 (VCV003788573.2).
Genomic context (GRCh38, chr6:116,928,926, plus strand): 5'-GACATCCACGATCCACTTAACATTTTAGATGACAGTGGTAGAAAACAGACCAGCTCGTTT[T>C]ACACAGACACATCATCTCCAGTTGCATGTCGAACTCCAGTCCTAGGTAAATTATTTTAGC-3'
Protein context (NP_775831.2, residues 846-866): DSGRKQTSSF[Tyr856His]TDTSSPVACR

ClinVar aggregate classification (germline): Uncertain significance. Review status: criteria provided, multiple submitters, no conflicts (2 of 4 stars). 2 submissions from 2 submitters: Uncertain significance (2). Last evaluated 2025-02-24.

Conditions:
RFX6-related disorder. Also called: RFX6-related condition.
Inborn genetic diseases. Identifiers: MedGen C0950123, MeSH D030342.

gnomAD v4.1: 57 of 1,613,688 alleles (0.0035%); highest among the groups gnomAD compares: Non-Finnish European, 0.0046%; no homozygotes.

Submissions (2):

Ambry Genetics
Classification: Uncertain significance for Inborn genetic diseases. Last evaluated: 2025-02-24. Review status: criteria provided, single submitter. Criteria: Ambry Variant Classification Scheme 2023. Collection method: clinical testing. Allele origin: germline.

PreventionGenetics, part of Exact Sciences
Classification: Uncertain significance for RFX6-related condition. Last evaluated: 2024-10-07. Review status: criteria provided, single submitter. Criteria: ACMG Guidelines, 2015. Collection method: clinical testing. Allele origin: germline.
Comment: The RFX6 c.2566T>C variant is predicted to result in the amino acid substitution p.Tyr856His. To our knowledge, this variant has not been reported in the literature. This variant is reported in 0.0023% of alleles in individuals of European (Non-Finnish) descent in gnomAD. At this time, the clinical significance of this variant is uncertain due to the absence of conclusive functional and genetic evidence.